The following is an entry in ClinVar:

NM_001356.5(DDX3X):c.1334T>G (p.Leu445Ter)

Gene: DDX3X (DEAD-box helicase 3 X-linked; plus strand). Cytogenetic location: Xp11.4.
Variant type: single nucleotide variant.
Coding change: c.1334T>G on transcript NM_001356.5 (MANE Select); coding-DNA position 1334, T replaced by G.
Protein change: p.Leu445Ter; replaces leucine 445 with a stop codon.
Molecular consequence: nonsense. On other transcripts: non-coding transcript variant (1).
Genome position (GRCh38, 1-based): chrX:41,346,247, T>G. VCF-style: chrX-41346247-T-G. GRCh37 (hg19) VCF-style: chrX-41205500-T-G.
Other names: c.1334T>G, p.Leu445Ter (NM_001193416.3); c.1286T>G, p.Leu429Ter (NM_001193417.3); c.776T>G, p.Leu259Ter (NM_001363819.1); short protein forms L445*, L259*, L429*.
Identifiers: ClinVar variation 432923 (VCV000432923.2), dbSNP rs1555954081, ClinGen allele CA412774176.
Genomic context (GRCh38, chrX:41,346,247, plus strand): 5'-AAGCCATGTTAGTGACAAAAACCTATAATTTTTCAACGACAGGCAAGGATTCACTGACCT[T>G]AGTGTTTGTGGAGACCAAAAAGGGTGCAGATTCTCTGGAGGATTTCTTATACCATGAAGG-3'

ClinVar aggregate classification (germline): Pathogenic (1 of 4 stars; one submission).

Submission:

GeneDx
Classification: Pathogenic. Last evaluated: 2017-06-22. Review status: criteria provided, single submitter. Criteria: GeneDx Variant Classification (06012015). Collection method: clinical testing. Allele origin: germline. Affected: yes.
Comment: The L445X variant in the DDX3X gene has not been reported previously as a pathogenic variant noras a benign variant, to our knowledge. This variant is predicted to cause loss of normal proteinfunction either through protein truncation or nonsense-mediated mRNA decay. The L445X variant isnot observed in large population cohorts (Lek et al., 2016; 1000 Genomes Consortium et al., 2015;Exome Variant Server). We interpret L445X as a pathogenic variant